The following is an entry in ClinVar:

NM_000303.3(PMM2):c.431T>G (p.Phe144Cys)

Gene: PMM2 (phosphomannomutase 2; plus strand). Cytogenetic location: 16p13.2.
Variant type: single nucleotide variant.
Coding change: c.431T>G on transcript NM_000303.3 (MANE Select); coding-DNA position 431, T replaced by G.
Protein change: p.Phe144Cys; replaces phenylalanine 144 with cysteine.
Molecular consequence: missense variant.
Genome position (GRCh38, 1-based): chr16:8,811,162, T>G. VCF-style: chr16-8811162-T-G. GRCh37 (hg19) VCF-style: chr16-8905019-T-G.
Other names: short protein forms F144C.
Identifiers: ClinVar variation 1512622 (VCV001512622.6), dbSNP rs2141023054, ClinGen allele CA394696675.

ClinVar aggregate classification (germline): Likely pathogenic (1 of 4 stars; one submission).

Conditions:
PMM2-congenital disorder of glycosylation. Also called: Congenital disorder of glycosylation, type Ia; PMM2-CDG; JAEKEN SYNDROME; PHOSPHOMANNOMUTASE 2 DEFICIENCY; CDG Ia; CARBOHYDRATE-DEFICIENT GLYCOPROTEIN SYNDROME, TYPE Ia. Identifiers: Orphanet 79318, MedGen C0349653, MONDO:0008907, OMIM 212065.

Submission:

Labcorp Genetics (formerly Invitae), Labcorp
Classification: Likely pathogenic for PMM2-congenital disorder of glycosylation. Last evaluated: 2021-08-13. Review status: criteria provided, single submitter. Criteria: Invitae Variant Classification Sherloc (09022015). Collection method: clinical testing. Allele origin: germline.
Comment: Advanced modeling of protein sequence and biophysical properties (such as structural, functional, and spatial information, amino acid conservation, physicochemical variation, residue mobility, and thermodynamic stability) performed at Invitae indicates that this missense variant is expected to disrupt PMM2 protein function. This variant disrupts the p.Phe144 amino acid residue in PMM2. Other variant(s) that disrupt this residue have been determined to be pathogenic (PMID: 10066032, 28122681, 30687093). This suggests that this residue is clinically significant, and that variants that disrupt this residue are likely to be disease-causing. In summary, the currently available evidence indicates that the variant is pathogenic, but additional data are needed to prove that conclusively. Therefore, this variant has been classified as Likely Pathogenic. This variant has not been reported in the literature in individuals affected with PMM2-related conditions. This sequence change replaces phenylalanine with cysteine at codon 144 of the PMM2 protein (p.Phe144Cys). The phenylalanine residue is highly conserved and there is a large physicochemical difference between phenylalanine and cysteine. This variant is not present in population databases (ExAC no frequency).

Literature cited by the submitters: PubMed 10066032; PubMed 28122681; PubMed 30687093.